The following is an entry in ClinVar:

ClinVar aggregate classification (germline): Benign. Review status: criteria provided, multiple submitters, no conflicts (2 of 4 stars). 2 submissions from 2 submitters: Benign (2). Last evaluated 2018-01-13.

Conditions:
Posterior column ataxia-retinitis pigmentosa syndrome (RETSNS). Also called: RETINOPATHY-SENSORY NEUROPATHY SYNDROME. Identifiers: Orphanet 88628, MedGen C1836916, MONDO:0012177, OMIM 609033.

Allele frequency attached by ClinVar (database versions not stated): gnomAD 0.21642 and 0.22165; TOPMed 0.24670; 1000 Genomes Project 0.28435; gnomAD exomes 0.21429; 1000 Genomes Project 30x 0.28592.
gnomAD v4.1: 33,993 of 152,256 alleles (22%); highest among the groups gnomAD compares: East Asian, 44%; 4,437 homozygotes.

Submissions (2):

Illumina Laboratory Services, Illumina
Classification: Benign for Posterior column ataxia-retinitis pigmentosa syndrome. Last evaluated: 2018-01-13. Review status: criteria provided, single submitter. Criteria: ICSL Variant Classification Criteria 13 December 2019. Collection method: clinical testing. Allele origin: germline.
Comment: This variant was observed in the ICSL laboratory as part of a predisposition screen in an ostensibly healthy population. It had not been previously curated by ICSL or reported in the Human Gene Mutation Database (HGMD: prior to June 1st, 2018), and was therefore a candidate for classification through an automated scoring system. Utilizing variant allele frequency, disease prevalence and penetrance estimates, and inheritance mode, an automated score was calculated to assess if this variant is too frequent to cause the disease. Based on the score and internal cut-off values, a variant classified as benign is not then subjected to further curation. The score for this variant resulted in a classification of benign for this disease.

Breakthrough Genomics
Classification: Benign. Review status: criteria provided, single submitter. Criteria: ACMG Guidelines, 2015. Collection method: not provided. Allele origin: germline. Inheritance: Autosomal recessive inheritance. Affected: yes.

NM_014053.4(FLVCR1):c.*673G>A

Gene: FLVCR1 (FLVCR choline and heme transporter 1; plus strand). Cytogenetic location: 1q32.3.
Variant type: single nucleotide variant.
Coding change: c.*673G>A on transcript NM_014053.4 (MANE Select); 673 bases downstream of the stop codon, G replaced by A.
Molecular consequence: 3 prime UTR variant.
Genome position (GRCh38, 1-based): chr1:212,895,963, G>A. VCF-style: chr1-212895963-G-A. GRCh37 (hg19) VCF-style: chr1-213069305-G-A.
Identifiers: ClinVar variation 295340 (VCV000295340.6), dbSNP rs41301027, ClinGen allele CA10608977.